The following is an entry in ClinVar:

ClinVar aggregate classification (germline): Uncertain significance (1 of 4 stars; one submission).

gnomAD v4.1: 1 of 1,610,394 alleles (0.000062%); highest among the groups gnomAD compares: Admixed American, 0.0017%; no homozygotes.

Submission:

Labcorp Genetics (formerly Invitae), Labcorp
Classification: Uncertain significance. Last evaluated: 2025-08-02. Review status: criteria provided, single submitter. Criteria: Invitae Variant Classification Sherloc (09022015). Collection method: clinical testing. Allele origin: germline.
Comment: This sequence change replaces leucine, which is neutral and non-polar, with arginine, which is basic and polar, at codon 236 of the IKZF1 protein (p.Leu236Arg). This variant is not present in population databases (gnomAD no frequency). This variant has not been reported in the literature in individuals affected with IKZF1-related conditions. An algorithm developed to predict the effect of missense changes on protein structure and function (PolyPhen-2) suggests that this variant is likely to be tolerated. In summary, the available evidence is currently insufficient to determine the role of this variant in disease. Therefore, it has been classified as a Variant of Uncertain Significance.

NM_006060.6(IKZF1):c.707T>G (p.Leu236Arg)

Gene: IKZF1 (IKAROS family zinc finger 1; plus strand). Cytogenetic location: 7p12.2.
Variant type: single nucleotide variant.
Coding change: c.707T>G on transcript NM_006060.6 (MANE Select); coding-DNA position 707, T replaced by G.
Protein change: p.Leu236Arg; replaces leucine 236 with arginine.
Molecular consequence: missense variant. On other transcripts: intron variant (9).
Genome position (GRCh38, 1-based): chr7:50,387,462, T>G. VCF-style: chr7-50387462-T-G. GRCh37 (hg19) VCF-style: chr7-50455160-T-G.
Other names: c.329-4267T>G (NM_001291839.2, NM_001220770.2); c.590-4267T>G (NM_001220765.3, NM_001291837.2); c.589+4755T>G (NM_001220768.2); c.421+10669T>G (NM_001220771.2); c.161-4267T>G (NM_001291843.1, NM_001291844.1); c.161-12456T>G (NM_001291840.1); c.446T>G, p.Leu149Arg (NM_001220767.2, NM_001291838.2); c.278T>G, p.Leu93Arg (NM_001291841.1, NM_001291842.1); and 1 more; short protein forms L149R, L236R, L256R, L93R.
Identifiers: ClinVar variation 4779241 (VCV004779241.1).